The following is an entry in ClinVar:

NM_182914.3(SYNE2):c.11508G>C (p.Gln3836His)

Gene: SYNE2 (spectrin repeat containing nuclear envelope protein 2; plus strand). Cytogenetic location: 14q23.2.
Variant type: single nucleotide variant.
Coding change: c.11508G>C on transcript NM_182914.3 (MANE Select); coding-DNA position 11508, G replaced by C.
Protein change: p.Gln3836His; replaces glutamine 3836 with histidine.
Molecular consequence: missense variant.
Genome position (GRCh38, 1-based): chr14:64,087,694, G>C. VCF-style: chr14-64087694-G-C. GRCh37 (hg19) VCF-style: chr14-64554412-G-C.
Other names: c.11508G>C, p.Gln3836His (NM_015180.6); short protein forms Q3836H.
Identifiers: ClinVar variation 1477003 (VCV001477003.8), dbSNP rs1315959283, ClinGen allele CA389945832.

ClinVar aggregate classification (germline): Uncertain significance (1 of 4 stars; one submission).

Conditions:
Emery-Dreifuss muscular dystrophy 5, autosomal dominant (EDMD5). Also called: EMERY-DREIFUSS MUSCULAR DYSTROPHY 5. Identifiers: Orphanet 261, MedGen C2751805, MONDO:0013072, OMIM 612999.

Allele frequency attached by ClinVar (database versions not stated): gnomAD exomes below 0.00001; gnomAD 0.00001; TOPMed 0.00001.
gnomAD v4.1: 7 of 1,613,968 alleles (0.00043%); highest among the groups gnomAD compares: Admixed American, 0.0017%; no homozygotes.

Submission:

Labcorp Genetics (formerly Invitae), Labcorp
Classification: Uncertain significance for Emery-Dreifuss muscular dystrophy 5, autosomal dominant. Last evaluated: 2025-04-02. Review status: criteria provided, single submitter. Criteria: Invitae Variant Classification Sherloc (09022015). Collection method: clinical testing. Allele origin: germline.
Comment: This sequence change replaces glutamine, which is neutral and polar, with histidine, which is basic and polar, at codon 3836 of the SYNE2 protein (p.Gln3836His). This variant is not present in population databases (gnomAD no frequency). This variant has not been reported in the literature in individuals affected with SYNE2-related conditions. ClinVar contains an entry for this variant (Variation ID: 1477003). An algorithm developed to predict the effect of missense changes on protein structure and function (PolyPhen-2) suggests that this variant is likely to be disruptive. In summary, the available evidence is currently insufficient to determine the role of this variant in disease. Therefore, it has been classified as a Variant of Uncertain Significance.